The following is an entry in ClinVar:

NR_003051.4(RMRP):n.33dup

Gene: RMRP (RNA component of mitochondrial RNA processing endoribonuclease; minus strand). Cytogenetic location: 9p13.3.
Variant type: Duplication.
Molecular consequence: non-coding transcript variant (on NR_003051.4).
Genome position: GRCh38 VCF-style: chr9-35657986-T-TG. GRCh37 (hg19) VCF-style: chr9-35657983-T-TG.
Identifiers: ClinVar variation 2995772 (VCV002995772.1), dbSNP rs1355041388, ClinGen allele CA863578452.
Genomic context (GRCh38, chr9:35,657,986, plus strand): 5'-TCTGCCCGAGGTCCGGGGACTTTCCCCTAGGCGGAAAGGGGAGGAACAGAGTCCTCAGTG[T>TG]GTAGCCTAGGATACAGGCCTTCAGCACGAACCACGTCCTCAGCTTCACAGAGTAGTATTT-3'

ClinVar aggregate classification (germline): Uncertain significance (1 of 4 stars; one submission).

Conditions:
Anauxetic dysplasia. Identifiers: Orphanet 93347, MedGen C1846796, MONDO:0011773.

Allele frequency attached by ClinVar (database versions not stated): TOPMed below 0.00001; gnomAD 0.00001; gnomAD exomes 0.00001.

Submission:

Labcorp Genetics (formerly Invitae), Labcorp
Classification: Uncertain significance for Anauxetic dysplasia. Last evaluated: 2023-08-16. Review status: criteria provided, single submitter. Criteria: Invitae Variant Classification Sherloc (09022015). Collection method: clinical testing. Allele origin: germline.
Comment: In summary, the available evidence is currently insufficient to determine the role of this variant in disease. Therefore, it has been classified as a Variant of Uncertain Significance. This variant occurs in the RMRP gene, which encodes an RNA molecule that does not result in a protein product. This variant is not present in population databases (gnomAD no frequency). This variant has not been reported in the literature in individuals affected with RMRP-related conditions. Experimental studies and prediction algorithms are not available or were not evaluated, and the functional significance of this variant is currently unknown.